The following is an entry in ClinVar:

ClinVar aggregate classification (germline): Uncertain significance (1 of 4 stars; one submission).

Conditions:
Hereditary cancer-predisposing syndrome. Also called: Neoplastic Syndromes, Hereditary; Tumor predisposition; Hereditary Cancer Syndrome; Hereditary neoplastic syndrome. Identifiers: Orphanet 140162, MedGen C0027672, MeSH D009386, MONDO:0015356.

gnomAD v4.1: 2 of 1,608,552 alleles (0.00012%); highest among the groups gnomAD compares: African/African-American, 0.0013%; no homozygotes.

Submission:

Ambry Genetics
Classification: Uncertain significance for Hereditary cancer-predisposing syndrome. Last evaluated: 2025-11-25. Review status: criteria provided, single submitter. Criteria: Ambry Variant Classification Scheme 2023. Collection method: clinical testing. Allele origin: germline.
Comment: The p.Q820R variant (also known as c.2459A>G), located in coding exon 16 of the BRIP1 gene, results from an A to G substitution at nucleotide position 2459. The glutamine at codon 820 is replaced by arginine, an amino acid with highly similar properties. This amino acid position is conserved. In addition, this alteration is predicted to be deleterious by in silico analysis. Based on the available evidence, the clinical significance of this variant remains unclear.

NM_032043.3(BRIP1):c.2459A>G (p.Gln820Arg)

Gene: BRIP1 (BRCA1 interacting DNA helicase 1; minus strand). Cytogenetic location: 17q23.2.
Variant type: single nucleotide variant.
Coding change: c.2459A>G on transcript NM_032043.3 (MANE Select); coding-DNA position 2459, A replaced by G.
Protein change: p.Gln820Arg; replaces glutamine 820 with arginine.
Molecular consequence: missense variant.
Genome position (GRCh38, 1-based): chr17:61,715,984, T>C on the plus strand (A>G on the coding strand, the complement: BRIP1 is on the minus strand). VCF-style: chr17-61715984-T-C. GRCh37 (hg19) VCF-style: chr17-59793345-T-C.
Other names: short protein forms Q820R.
Identifiers: ClinVar variation 4631160 (VCV004631160.1).